The following is an entry in ClinVar:

NM_001849.4(COL6A2):c.1051C>T (p.Arg351Trp)

Gene: COL6A2 (collagen type VI alpha 2 chain; plus strand). Cytogenetic location: 21q22.3.
Variant type: single nucleotide variant.
Coding change: c.1051C>T on transcript NM_001849.4 (MANE Select); coding-DNA position 1051, C replaced by T.
Protein change: p.Arg351Trp; replaces arginine 351 with tryptophan.
Molecular consequence: missense variant.
Genome position (GRCh38, 1-based): chr21:46,117,451, C>T. VCF-style: chr21-46117451-C-T. GRCh37 (hg19) VCF-style: chr21-47537365-C-T.
Other names: c.1051C>T, p.Arg351Trp (NM_058174.3, NM_058175.3); short protein forms R351W.
Identifiers: ClinVar variation 286221 (VCV000286221.15), dbSNP rs531146637, ClinGen allele CA10071637.

ClinVar aggregate classification (germline): Uncertain significance. Review status: criteria provided, multiple submitters, no conflicts (2 of 4 stars). 5 submissions from 5 submitters: Uncertain significance (5). Last evaluated 2025-11-19.

Conditions:
COL6A2-related disorder.
Bethlem myopathy 1A. Also called: MYOPATHY, BENIGN CONGENITAL, WITH CONTRACTURES; Bethlem myopathy 1; Bethlem Muscular Dystrophy. Identifiers: Orphanet 610, MedGen CN029274, MONDO:0024530, OMIM 158810.

Allele frequency attached by ClinVar (database versions not stated): gnomAD 0.00005 and 0.00002; 1000 Genomes Project 30x 0.00016; ExAC 0.00016; gnomAD exomes 0.00018; 1000 Genomes Project 0.00020; TOPMed 0.00003.

Submissions (5):

Labcorp Genetics (formerly Invitae), Labcorp
Classification: Uncertain significance for Bethlem myopathy 1A. Last evaluated: 2025-11-19. Review status: criteria provided, single submitter. Criteria: Invitae Variant Classification Sherloc (09022015). Collection method: clinical testing. Allele origin: germline.
Comment: This sequence change replaces arginine, which is basic and polar, with tryptophan, which is neutral and slightly polar, at codon 351 of the COL6A2 protein (p.Arg351Trp). This variant is present in population databases (rs531146637, gnomAD 0.1%), including at least one homozygous and/or hemizygous individual. This missense change has been observed in individual(s) with clinical suspicion of limb-girdle muscular dystrophy (PMID: 30564623). ClinVar contains an entry for this variant (Variation ID: 286221). An algorithm developed to predict the effect of missense changes on protein structure and function (PolyPhen-2) suggests that this variant is likely to be disruptive. In summary, the available evidence is currently insufficient to determine the role of this variant in disease. Therefore, it has been classified as a Variant of Uncertain Significance.

PreventionGenetics, part of Exact Sciences
Classification: Uncertain significance for COL6A2-related condition. Last evaluated: 2024-11-15. Review status: criteria provided, single submitter. Criteria: ACMG Guidelines, 2015. Collection method: clinical testing. Allele origin: germline.
Comment: The COL6A2 c.1051C>T variant is predicted to result in the amino acid substitution p.Arg351Trp. This variant was reported in an individual with limb-girdle muscular dystrophy without further evidence for pathogenicity (Nallamilli et al. 2018. PubMed ID: 30564623). This variant is reported in 0.13% of alleles in individuals of South Asian descent in gnomAD. Although we suspect that this variant may be benign, at this time, the clinical significance of this variant is uncertain due to the absence of conclusive functional and genetic evidence.

GeneDx
Classification: Uncertain significance. Last evaluated: 2020-08-07. Review status: criteria provided, single submitter. Criteria: GeneDx Variant Classification Process June 2021. Collection method: clinical testing. Allele origin: germline. Affected: yes.
Comment: Reported previously as a variant of uncertain significance in an individual with clinically suspected LGMD, however further clinical information was not provided (Nallamilli et al, 2018); In silico analysis supports that this missense variant has a deleterious effect on protein structure/function; This variant is associated with the following publications: (PMID: 30564623)

Eurofins Ntd Llc (ga)
Classification: Uncertain significance. Last evaluated: 2016-02-16. Review status: criteria provided, single submitter. Criteria: EGL Classification Definitions 2015. Collection method: clinical testing. Allele origin: germline. Observed: 1 variant allele, 1 heterozygote.

Neuberg Centre For Genomic Medicine, NCGM
Classification: Uncertain significance for Bethlem myopathy 1A. Review status: criteria provided, single submitter. Criteria: ACMG Guidelines, 2015. Collection method: clinical testing. Allele origin: germline. Inheritance: Autosomal dominant inheritance. Affected: yes.
Comment: The missense c.1051C>T (p.Arg351Trp) variant in COL6A2 gene has not been reported previously as a pathogenic variant nor as a benign variant, to our knowledge. This variant is reported with the allele frequency 0.01% in the gnomAD and 0.01% in 1000 genome database. The variant has been reported in ClinVar as variant of uncertain significance. The amino acid Arg at position 351 is changed to a Trp changing protein sequence and it might alter its composition and physico-chemical properties. The amino acid change p.Arg351Trp in COL6A2 is predicted as conserved by GERP++ and PhyloP across 100 vertebrates. This variant is likely to be disruptive, but these predictions have not been confirmed by published functional studies and their clinical significance is uncertain. The available evidence is currently insufficient to determine the role of this variant in disease. For these reasons, this variant has been classified as Uncertain significance. In recessive inheritance variants in COL6A2 are associated with Ullrich related muscle disease.

Literature cited by the submitters: PubMed 30564623 (cited by Labcorp Genetics (formerly Invitae), Labcorp).